The following is an entry in ClinVar:

NM_000038.6(APC):c.7754A>C (p.Lys2585Thr)

Gene: APC (APC regulator of Wnt signaling pathway; plus strand). Cytogenetic location: 5q22.2.
Variant type: single nucleotide variant.
Coding change: c.7754A>C on transcript NM_000038.6 (MANE Select); coding-DNA position 7754, A replaced by C.
Protein change: p.Lys2585Thr; replaces lysine 2585 with threonine.
Molecular consequence: missense variant.
Genome position (GRCh38, 1-based): chr5:112,843,348, A>C. VCF-style: chr5-112843348-A-C. GRCh37 (hg19) VCF-style: chr5-112179045-A-C.
Other names: c.7754A>C, p.Lys2585Thr (NM_001127510.3, NM_001354895.2); c.7700A>C, p.Lys2567Thr (NM_001127511.3); c.7808A>C, p.Lys2603Thr (NM_001354896.2); c.7784A>C, p.Lys2595Thr (NM_001354897.2); c.7679A>C, p.Lys2560Thr (NM_001354898.2); c.7670A>C, p.Lys2557Thr (NM_001354899.2); c.7631A>C, p.Lys2544Thr (NM_001354900.2); c.7577A>C, p.Lys2526Thr (NM_001354901.2); and 5 more; short protein forms K2567T, K2585T, K2494T, K2603T, K2302T, K2459T, K2557T, K2425T.
Identifiers: ClinVar variation 230982 (VCV000230982.15), dbSNP rs876658884, ClinGen allele CA10578450.

ClinVar aggregate classification (germline): Uncertain significance. Review status: criteria provided, multiple submitters, no conflicts (2 of 4 stars). 2 submissions from 2 submitters: Uncertain significance (2). Last evaluated 2025-04-09.

Conditions:
Familial adenomatous polyposis 1 (FAP1). Also called: FAMILIAL ADENOMATOUS POLYPOSIS 1, ATTENUATED; POLYPOSIS, ADENOMATOUS INTESTINAL. Identifiers: MedGen C2713442, MONDO:0021056, OMIM 175100. Disease mechanism: loss of function.
Hereditary cancer-predisposing syndrome. Also called: Neoplastic Syndromes, Hereditary; Tumor predisposition; Hereditary Cancer Syndrome; Hereditary neoplastic syndrome. Identifiers: Orphanet 140162, MedGen C0027672, MeSH D009386, MONDO:0015356.

gnomAD v4.1: 1 of 1,613,982 alleles (0.000062%); highest among the groups gnomAD compares: Non-Finnish European, 0.000085%; no homozygotes.

Submissions (2):

Ambry Genetics
Classification: Uncertain significance for Hereditary cancer-predisposing syndrome. Last evaluated: 2025-04-09. Review status: criteria provided, single submitter. Criteria: Ambry Variant Classification Scheme 2023. Collection method: clinical testing. Allele origin: germline.
Comment: The p.K2585T variant (also known as c.7754A>C), located in coding exon 15 of the APC gene, results from an A to C substitution at nucleotide position 7754. The lysine at codon 2585 is replaced by threonine, an amino acid with similar properties. This amino acid position is well conserved in available vertebrate species. In addition, in silico predictors for this gene do not accurately predict pathogenicity. Since supporting evidence is limited at this time, the clinical significance of this alteration remains unclear.

Labcorp Genetics (formerly Invitae), Labcorp
Classification: Uncertain significance for Familial adenomatous polyposis 1. Last evaluated: 2022-10-29. Review status: criteria provided, single submitter. Criteria: Invitae Variant Classification Sherloc (09022015). Collection method: clinical testing. Allele origin: germline.
Comment: In summary, the available evidence is currently insufficient to determine the role of this variant in disease. Therefore, it has been classified as a Variant of Uncertain Significance. Advanced modeling of protein sequence and biophysical properties (such as structural, functional, and spatial information, amino acid conservation, physicochemical variation, residue mobility, and thermodynamic stability) performed at Invitae indicates that this missense variant is not expected to disrupt APC protein function. ClinVar contains an entry for this variant (Variation ID: 230982). This variant has not been reported in the literature in individuals affected with APC-related conditions. This variant is not present in population databases (gnomAD no frequency). This sequence change replaces lysine, which is basic and polar, with threonine, which is neutral and polar, at codon 2585 of the APC protein (p.Lys2585Thr).